The following is an entry in ClinVar:

NM_005215.4(DCC):c.925A>G (p.Thr309Ala)

Gene: DCC (DCC netrin 1 receptor; plus strand). Cytogenetic location: 18q21.2.
Variant type: single nucleotide variant.
Coding change: c.925A>G on transcript NM_005215.4 (MANE Select); coding-DNA position 925, A replaced by G.
Protein change: p.Thr309Ala; replaces threonine 309 with alanine.
Molecular consequence: missense variant.
Genome position (GRCh38, 1-based): chr18:52,925,310, A>G. VCF-style: chr18-52925310-A-G. GRCh37 (hg19) VCF-style: chr18-50451680-A-G.
Other names: short protein forms T309A.
Identifiers: ClinVar variation 4975121 (VCV004975121.1).

ClinVar aggregate classification (germline): Uncertain significance (1 of 4 stars; one submission).

gnomAD v4.1: 150 of 1,612,258 alleles (0.0093%); highest among the groups gnomAD compares: Non-Finnish European, 0.012%; no homozygotes.

Submission:

GeneDx
Classification: Uncertain significance. Last evaluated: 2026-01-22. Review status: criteria provided, single submitter. Criteria: GeneDx Variant Classification Process June 2021. Collection method: clinical testing. Allele origin: germline.
Comment: In silico analysis suggests that this missense variant does not alter protein structure/function; Has not been previously published as pathogenic or benign to our knowledge